The following is an entry in ClinVar:

NM_000182.5(HADHA):c.1690-18G>A

Genes: GAREM2 (GRB2 associated regulator of MAPK1 subtype 2; plus strand), HADHA (hydroxyacyl-CoA dehydrogenase trifunctional multienzyme complex subunit alpha; minus strand). Cytogenetic location: 2p23.3.
Variant type: single nucleotide variant.
Coding change: c.1690-18G>A on transcript NM_000182.5 (MANE Select); 18 bases into the intron before coding-DNA position 1690, G replaced by A.
Molecular consequence: intron variant.
Genome position (GRCh38, 1-based): chr2:26,193,790, C>T on the plus strand (G>A on the coding strand, the complement: HADHA is on the minus strand). VCF-style: chr2-26193790-C-T. GRCh37 (hg19) VCF-style: chr2-26416659-C-T.
Identifiers: ClinVar variation 389014 (VCV000389014.1), dbSNP rs1057523303, ClinGen allele CA16604184.
Genomic context (GRCh38, chr2:26,193,790, plus strand): 5'-AGCTTGTGGTCAGGGAATCCAGCTTCTTCGGGTCAACTCCTTCCTGAACAGGAAGCGATG[C>T]AGGGACCTCAGGGGAAGGGCAGCCCAAATCCCCCCAAAGGGCTCCCTGTACTGGCTCCAA-3'

ClinVar aggregate classification (germline): Likely benign (1 of 4 stars; one submission).

gnomAD v4.1: 1 of 1,602,660 alleles (0.000062%); highest among the groups gnomAD compares: East Asian, 0.0022%; no homozygotes.

Submission:

GeneDx
Classification: Likely benign. Last evaluated: 2016-09-06. Review status: criteria provided, single submitter. Criteria: GeneDx Variant Classification (06012015). Collection method: clinical testing. Allele origin: germline. Affected: yes.
Comment: This variant is considered likely benign or benign based on one or more of the following criteria: it is a conservative change, it occurs at a poorly conserved position in the protein, it is predicted to be benign by multiple in silico algorithms, and/or has population frequency not consistent with disease.